The following is an entry in ClinVar:

NM_001366145.2(TRPM3):c.1511T>C (p.Leu504Ser)

Gene: TRPM3 (transient receptor potential cation channel subfamily M member 3; minus strand). Cytogenetic location: 9q21.12.
Variant type: single nucleotide variant.
Coding change: c.1511T>C on transcript NM_001366145.2 (MANE Select); coding-DNA position 1511, T replaced by C.
Protein change: p.Leu504Ser; replaces leucine 504 with serine.
Molecular consequence: missense variant.
Genome position (GRCh38, 1-based): chr9:70,639,130, A>G on the plus strand (T>C on the coding strand, the complement: TRPM3 is on the minus strand). VCF-style: chr9-70639130-A-G. GRCh37 (hg19) VCF-style: chr9-73254046-A-G.
Other names: c.1511T>C, p.Leu504Ser (NM_001007471.4, NM_001366146.2, NM_001366149.2 and 2 more transcripts); c.1517T>C, p.Leu506Ser (NM_001366141.2, NM_001366142.2, NM_001366143.2); c.1586T>C, p.Leu529Ser (NM_001366147.2, NM_001366148.2, NM_001366152.2); c.1052T>C, p.Leu351Ser (NM_001366154.2, NM_020952.6, NM_024971.7 and 2 more transcripts); c.1127T>C, p.Leu376Ser (NM_206946.5, NM_206947.5); short protein forms L504S, L506S, L376S, L351S, L529S.
Identifiers: ClinVar variation 3462122 (VCV003462122.3).

ClinVar aggregate classification (germline): Uncertain significance. Review status: criteria provided, multiple submitters, no conflicts (2 of 4 stars). 3 submissions from 3 submitters: Uncertain significance (3). Last evaluated 2024-10-16.

Conditions:
Inborn genetic diseases. Identifiers: MedGen C0950123, MeSH D030342.
Neurodevelopmental disorder with hypotonia, dysmorphic facies, and skeletal anomalies, with or without seizures (NEDFSS). Also called: TRPM3-Related Neurodevelopmental Disorder. Identifiers: MedGen C5830244, MONDO:0859365, OMIM 620224.

Submissions (3):

Ambry Genetics
Classification: Uncertain significance for Inborn genetic diseases. Last evaluated: 2024-10-16. Review status: criteria provided, single submitter. Criteria: Ambry Variant Classification Scheme 2023. Collection method: clinical testing. Allele origin: germline.
Comment: The c.1511T>C (p.L504S) alteration is located in exon 11 (coding exon 11) of the TRPM3 gene. This alteration results from a T to C substitution at nucleotide position 1511, causing the leucine (L) at amino acid position 504 to be replaced by a serine (S). This variant was not reported in population-based cohorts in the Genome Aggregation Database (gnomAD). This amino acid position is highly conserved in available vertebrate species. This missense alteration is located in a region that has a low rate of benign missense variation (Lek, 2016; Firth, 2009). This alteration is predicted to be deleterious by in silico analysis. Based on insufficient or conflicting evidence, the clinical significance of this alteration remains unclear.

3billion
Classification: Uncertain significance for Neurodevelopmental disorder with hypotonia, dysmorphic facies, and skeletal anomalies, with or without seizures. Last evaluated: 2023-08-04. Review status: criteria provided, single submitter. Criteria: ACMG Guidelines, 2015. Collection method: clinical testing. Allele origin: germline. Affected: yes.
Comment: The variant is not observed in the gnomAD v2.1.1 dataset. Predicted Consequence/Location: Missense changes are a common disease-causing mechanism. In silico tool predictions suggest damaging effect of the variant on gene or gene product [REVEL: 0.69 (>=0.6, sensitivity 0.68 and specificity 0.92); 3Cnet: 0.66 (>=0.6, sensitivity 0.72 and precision 0.9)]. Therefore, this variant is classified as VUS according to the recommendation of ACMG/AMP guideline.

Blueprint Genetics
Classification: Uncertain significance. Last evaluated: 2021-05-31. Review status: criteria provided, single submitter. Criteria: ACMG Guidelines, 2015. Collection method: clinical testing. Allele origin: germline.